The following is an entry in ClinVar:

ClinVar aggregate classification (germline): Uncertain significance. Review status: criteria provided, multiple submitters, no conflicts (2 of 4 stars). 2 submissions from 2 submitters: Uncertain significance (2). Last evaluated 2025-02-18.

Conditions:
Inborn genetic diseases. Identifiers: MedGen C0950123, MeSH D030342.

gnomAD v4.1: 8 of 1,613,894 alleles (0.0005%); highest among the groups gnomAD compares: Middle Eastern, 0.016%; no homozygotes.

Submissions (2):

Ambry Genetics
Classification: Uncertain significance for Inborn genetic diseases. Last evaluated: 2025-02-18. Review status: criteria provided, single submitter. Criteria: Ambry Variant Classification Scheme 2023. Collection method: clinical testing. Allele origin: germline.
Comment: The p.A539V variant (also known as c.1616C>T), located in coding exon 15 of the DDX41 gene, results from a C to T substitution at nucleotide position 1616. The alanine at codon 539 is replaced by valine, an amino acid with similar properties. This amino acid position is not well conserved in available vertebrate species. In addition, the in silico prediction for this alteration is inconclusive. Based on the available evidence, the clinical significance of this variant remains unclear.

Blueprint Genetics
Classification: Uncertain significance. Last evaluated: 2024-09-13. Review status: criteria provided, single submitter. Criteria: ACMG Guidelines, 2015. Collection method: clinical testing. Allele origin: germline.

NM_016222.4(DDX41):c.1616C>T (p.Ala539Val)

Gene: DDX41 (DEAD-box helicase 41; minus strand). Cytogenetic location: 5q35.3.
Variant type: single nucleotide variant.
Coding change: c.1616C>T on transcript NM_016222.4 (MANE Select); coding-DNA position 1616, C replaced by T.
Protein change: p.Ala539Val; replaces alanine 539 with valine.
Molecular consequence: missense variant.
Genome position (GRCh38, 1-based): chr5:177,512,327, G>A on the plus strand (C>T on the coding strand, the complement: DDX41 is on the minus strand). VCF-style: chr5-177512327-G-A. GRCh37 (hg19) VCF-style: chr5-176939328-G-A.
Other names: c.1238C>T, p.Ala413Val (NM_001321732.2, NM_001321830.2); short protein forms A539V, A413V.
Identifiers: ClinVar variation 3839021 (VCV003839021.2).
Genomic context (GRCh38, chr5:177,512,327, plus strand): 5'-GGCCACAGGCAGGGGACCCAGGGAACAGCTAAGGTGGCGCTGGTAACAGACTCACCACAC[G>A]CTTTGTTGATGAAGGTAGTGGCGATGCCTGTGTTTCCCGAGCGCCCGGTGCGGCCAATCC-3'
Protein context (NP_057306.2, residues 529-549): TGIATTFINK[Ala539Val]CDESVLMDLK